The following is an entry in ClinVar:

ClinVar aggregate classification (germline): Uncertain significance. Review status: criteria provided, multiple submitters, no conflicts (2 of 4 stars). 2 submissions from 2 submitters: Uncertain significance (2). Last evaluated 2025-10-30.

Conditions:
Malignant hyperthermia, susceptibility to, 1 (MHS1). Also called: RYR1-Related Malignant Hyperthermia Susceptibility; Malignant hyperthermia suceptibility 1; Anesthesia related hyperthermia; Malignant hyperpyrexia; Fulminating hyperpyrexia; Pharmacogenic myopathy. Identifiers: Orphanet 423, MedGen C2930980, MONDO:0007783, OMIM 145600.
RYR1-related disorder. Also called: RYR1-related condition; RYR1-related disorders. Identifiers: MedGen CN239331.

gnomAD v4.1: 1 of 1,604,776 alleles (0.000062%); highest among the groups gnomAD compares: African/African-American, 0.0013%; no homozygotes.

Submissions (2):

Labcorp Genetics (formerly Invitae), Labcorp
Classification: Uncertain significance for RYR1-related disorder. Last evaluated: 2025-10-30. Review status: criteria provided, single submitter. Criteria: Invitae Variant Classification Sherloc (09022015). Collection method: clinical testing. Allele origin: germline.
Comment: This sequence change replaces lysine, which is basic and polar, with arginine, which is basic and polar, at codon 2800 of the RYR1 protein (p.Lys2800Arg). This variant is present in population databases (no rsID available, gnomAD 0.007%). This variant has not been reported in the literature in individuals affected with RYR1-related conditions. ClinVar contains an entry for this variant (Variation ID: 3894209). An algorithm developed to predict the effect of missense changes on protein structure and function (PolyPhen-2) suggests that this variant is likely to be tolerated. Algorithms developed to predict the effect of sequence changes on RNA splicing suggest that this variant may disrupt the consensus splice site. In summary, the available evidence is currently insufficient to determine the role of this variant in disease. Therefore, it has been classified as a Variant of Uncertain Significance.

Color Diagnostics, LLC DBA Color Health
Classification: Uncertain significance for Malignant hyperthermia, susceptibility to, 1. Last evaluated: 2025-01-19. Review status: criteria provided, single submitter. Criteria: ACMG Guidelines, 2015. Collection method: clinical testing. Allele origin: germline.
Comment: This missense variant replaces lysine with arginine at codon 2800 of the RYR1 protein. Computational prediction is inconclusive regarding the impact of this variant on protein structure and function (internally defined REVEL score threshold 0.5 < inconclusive < 0.7, PMID: 27666373). To our knowledge, functional studies have not been reported for this variant. This variant has not been reported in individuals affected with RYR1-related disorders in the literature. This variant has been identified in 1/240352 chromosomes in the general population by the Genome Aggregation Database (gnomAD). The available evidence is insufficient to determine the role of this variant in disease conclusively. Therefore, this variant is classified as a Variant of Uncertain Significance.

NM_000540.3(RYR1):c.8399A>G (p.Lys2800Arg)

Genes: RYR1 (ryanodine receptor 1; plus strand), LOC126862902 (BRD4-independent group 4 enhancer GRCh37_chr19:38995830-38997029; plus strand). Cytogenetic location: 19q13.2.
Variant type: single nucleotide variant.
Coding change: c.8399A>G on transcript NM_000540.3 (MANE Select); coding-DNA position 8399, A replaced by G.
Protein change: p.Lys2800Arg; replaces lysine 2800 with arginine.
Molecular consequence: missense variant.
Genome position (GRCh38, 1-based): chr19:38,505,397, A>G. VCF-style: chr19-38505397-A-G. GRCh37 (hg19) VCF-style: chr19-38996037-A-G.
Other names: c.8399A>G, p.Lys2800Arg (NM_001042723.2); short protein forms K2800R.
Identifiers: ClinVar variation 3894209 (VCV003894209.2).